The following is an entry in ClinVar:

ClinVar aggregate classification (germline): Uncertain significance (1 of 4 stars; one submission).

Submission:

CeGaT Center for Human Genetics Tuebingen
Classification: Uncertain significance. Last evaluated: 2023-03-01. Review status: criteria provided, single submitter. Criteria: CeGaT Center For Human Genetics Tuebingen Variant Classification Criteria Version 2. Collection method: clinical testing. Allele origin: germline. Affected: yes. Observed: 1 variant allele.
Comment: SYNE1: PM2, BP4

NM_182961.4(SYNE1):c.7535A>G (p.Asp2512Gly)

Gene: SYNE1 (spectrin repeat containing nuclear envelope protein 1; minus strand). Cytogenetic location: 6q25.2.
Variant type: single nucleotide variant.
Coding change: c.7535A>G on transcript NM_182961.4 (MANE Select); coding-DNA position 7535, A replaced by G.
Protein change: p.Asp2512Gly; replaces aspartic acid 2512 with glycine.
Molecular consequence: missense variant.
Genome position (GRCh38, 1-based): chr6:152,396,796, T>C on the plus strand (A>G on the coding strand, the complement: SYNE1 is on the minus strand). VCF-style: chr6-152396796-T-C. GRCh37 (hg19) VCF-style: chr6-152717931-T-C.
Other names: c.7556A>G, p.Asp2519Gly (NM_033071.5); short protein forms D2512G, D2519G.
Identifiers: ClinVar variation 2657027 (VCV002657027.24), dbSNP rs2493727767, ClinGen allele CA366112767.
Genomic context (GRCh38, chr6:152,396,796, plus strand): 5'-TGGTGTATGATGAAATCTATGTTTGTTAAACTAACCTACCTTCCAAGTTCTGAAGCACAG[T>C]CTTGAAGAGCCTGCTTATCTTTAAGGCATTGTTTCAGAAATGCTTGAAACTCTTCATTGG-3'
Protein context (NP_892006.3, residues 2502-2522): QCLKDKQALQ[Asp2512Gly]CASELGSFED